The following is an entry in ClinVar:

NM_020184.4(CNNM4):c.648dup (p.Val217fs)

Gene: CNNM4 (cyclin and CBS domain divalent metal cation transport mediator 4; plus strand). Cytogenetic location: 2q11.2.
Variant type: Duplication.
Coding change: c.648dup on transcript NM_020184.4 (MANE Select); coding-DNA position 648, one base duplicated (C; older notation c.648dupC).
Protein change: p.Val217fs; shifts the reading frame from valine 217.
Molecular consequence: frameshift variant.
Genome position (GRCh38, 1-based): chr2:96,761,647, C duplicated. VCF-style (leftmost placement, unchanged base first): chr2-96761646-T-TC. GRCh37 (hg19) VCF-style: chr2-97427383-T-TC.
Other names: c.648dupC (NM_020184.3); short protein forms V217fs.
Identifiers: ClinVar variation 4986235 (VCV004986235.1), dbSNP rs2078764558.

ClinVar aggregate classification (germline): Likely pathogenic (1 of 4 stars; one submission).

Conditions:
CNNM4-related disorder. Also called: CNNM4-related condition.

Submission:

PreventionGenetics, part of Exact Sciences
Classification: Likely pathogenic for CNNM4-related condition. Last evaluated: 2025-11-10. Review status: criteria provided, single submitter. Criteria: ACMG Guidelines, 2015. Collection method: clinical testing. Allele origin: germline.
Comment: The CNNM4 c.648dupC variant is predicted to result in a frameshift and premature protein termination (p.Val217Argfs*17). To our knowledge, this variant has not been reported in the literature or in a large population database (gnomAD), indicating this variant is rare. Frameshift variants in CNNM4 are expected to be pathogenic. This variant is interpreted as likely pathogenic.